The following is an entry in ClinVar:

NM_138694.4(PKHD1):c.3304dup (p.Tyr1102fs)

Gene: PKHD1 (PKHD1 ciliary IPT domain containing fibrocystin/polyductin; minus strand). Cytogenetic location: 6p12.2.
Variant type: Duplication.
Coding change: c.3304dup on transcript NM_138694.4 (MANE Select); coding-DNA position 3304, one base duplicated (T; older notation c.3304dupT).
Protein change: p.Tyr1102fs; shifts the reading frame from tyrosine 1102.
Molecular consequence: frameshift variant.
Genome position (GRCh38, 1-based): chr6:52,033,090, A duplicated on the plus strand (T on the coding strand, the reverse complement: PKHD1 is on the minus strand). VCF-style (leftmost placement, unchanged base first): chr6-52033089-T-TA. GRCh37 (hg19) VCF-style: chr6-51897887-T-TA.
Other names: c.3304dup, p.Tyr1102fs (NM_170724.3); short protein forms Y1102fs.
Identifiers: ClinVar variation 5038085 (VCV005038085.1).

ClinVar aggregate classification (germline): Likely pathogenic (1 of 4 stars; one submission).

Conditions:
Polycystic kidney disease 4 (PKD4). Also called: POLYCYSTIC KIDNEY AND HEPATIC DISEASE 1; POLYCYSTIC KIDNEY DISEASE, INFANTILE, TYPE I; POLYCYSTIC KIDNEY DISEASE 4 WITH OR WITHOUT POLYCYSTIC LIVER DISEASE; PKD3; Autosomal Recessive Polycystic Kidney Disease – PKHD1. Identifiers: MedGen C4540575, MONDO:0033004, OMIM 263200.

Submission:

MVZ Medizinische Genetik Mainz
Classification: Likely pathogenic for Polycystic kidney disease 4. Last evaluated: 2026-05-21. Review status: criteria provided, single submitter. Criteria: UK Practice Guidelines For Variant Classification V4 01 2020. Collection method: clinical testing. Allele origin: germline. Inheritance: Autosomal recessive inheritance. Affected: yes. Observed: 2 variant alleles.
Comment: ACMG Criteria: PVS1,PM2_SUP